The following is an entry in ClinVar:

NM_002838.5(PTPRC):c.545C>A (p.Ala182Glu)

Gene: PTPRC (protein tyrosine phosphatase receptor type C; plus strand). Cytogenetic location: 1q32.1.
Variant type: single nucleotide variant.
Coding change: c.545C>A on transcript NM_002838.5 (MANE Select); coding-DNA position 545, C replaced by A.
Protein change: p.Ala182Glu; replaces alanine 182 with glutamic acid.
Molecular consequence: missense variant. On other transcripts: intron variant (1).
Genome position (GRCh38, 1-based): chr1:198,702,492, C>A. VCF-style: chr1-198702492-C-A. GRCh37 (hg19) VCF-style: chr1-198671621-C-A.
Other names: c.101-806C>A (NM_080921.4); short protein forms A182E.
Identifiers: ClinVar variation 1042287 (VCV001042287.6), dbSNP rs527641821, ClinGen allele CA1314522.

ClinVar aggregate classification (germline): Uncertain significance (1 of 4 stars; one submission).

Conditions:
Immunodeficiency 104. Also called: SCID, AUTOSOMAL RECESSIVE, T CELL-NEGATIVE, B CELL-POSITIVE, NK CELL-POSITIVE; Severe Combined Immune Deficiency, Autosomal Recessive, TCell -Negative, B Cell-Positive, NK Cell-Positive, IL7R-Related; Severe combined immunodeficiency, autosomal recessive, T cell-negative, B cell-positive, NK cell-positive; IMMUNODEFICIENCY 104, SEVERE COMBINED. Identifiers: MedGen C5676890, MONDO:0012163, OMIM 608971.

Allele frequency attached by ClinVar (database versions not stated): gnomAD 0.00002 and 0.00005; TOPMed 0.00002; gnomAD exomes 0.00014 and 0.00022; 1000 Genomes Project 30x 0.00016; 1000 Genomes Project 0.00020; ExAC 0.00024.
gnomAD v4.1: 211 of 1,614,222 alleles (0.013%); highest among the groups gnomAD compares: South Asian, 0.19%; 2 homozygotes.

Submission:

Labcorp Genetics (formerly Invitae), Labcorp
Classification: Uncertain significance for Immunodeficiency 104. Last evaluated: 2022-07-05. Review status: criteria provided, single submitter. Criteria: Invitae Variant Classification Sherloc (09022015). Collection method: clinical testing. Allele origin: germline.
Comment: This sequence change replaces alanine, which is neutral and non-polar, with glutamic acid, which is acidic and polar, at codon 182 of the PTPRC protein (p.Ala182Glu). This variant is present in population databases (rs527641821, gnomAD 0.2%). This variant has not been reported in the literature in individuals affected with PTPRC-related conditions. ClinVar contains an entry for this variant (Variation ID: 1042287). Algorithms developed to predict the effect of missense changes on protein structure and function are either unavailable or do not agree on the potential impact of this missense change (SIFT: "Tolerated"; PolyPhen-2: "Possibly Damaging"; Align-GVGD: "Class C0"). In summary, the available evidence is currently insufficient to determine the role of this variant in disease. Therefore, it has been classified as a Variant of Uncertain Significance.